The following is an entry in ClinVar:

ClinVar aggregate classification (germline): Uncertain significance (1 of 4 stars; one submission).

Conditions:
Imerslund-Grasbeck syndrome. Also called: ENTEROCYTE COBALAMIN MALABSORPTION; ENTEROCYTE INTRINSIC FACTOR RECEPTOR, DEFECT OF; PERNICIOUS ANEMIA, JUVENILE, DUE TO SELECTIVE INTESTINAL MALABSORPTION OF VITAMIN B12, WITH PROTEINURIA; Imerslund-Gräsbeck syndrome; Megaloblastic anemia due to inborn errors of metabolism. Identifiers: Orphanet 35858, MedGen C4551825, MONDO:0009853.

Allele frequency attached by ClinVar (database versions not stated): TOPMed 0.00003; gnomAD exomes below 0.00001; gnomAD 0.00001.
gnomAD v4.1: 7 of 1,614,052 alleles (0.00043%); highest among the groups gnomAD compares: African/African-American, 0.0093%; no homozygotes.

Submission:

Labcorp Genetics (formerly Invitae), Labcorp
Classification: Uncertain significance for Imerslund-Grasbeck syndrome. Last evaluated: 2025-03-31. Review status: criteria provided, single submitter. Criteria: Invitae Variant Classification Sherloc (09022015). Collection method: clinical testing. Allele origin: germline.
Comment: This sequence change replaces asparagine, which is neutral and polar, with threonine, which is neutral and polar, at codon 3202 of the CUBN protein (p.Asn3202Thr). This variant is not present in population databases (gnomAD no frequency). This variant has not been reported in the literature in individuals affected with CUBN-related conditions. ClinVar contains an entry for this variant (Variation ID: 2771533). Invitae Evidence Modeling of protein sequence and biophysical properties (such as structural, functional, and spatial information, amino acid conservation, physicochemical variation, residue mobility, and thermodynamic stability) indicates that this missense variant is not expected to disrupt CUBN protein function with a negative predictive value of 80%. In summary, the available evidence is currently insufficient to determine the role of this variant in disease. Therefore, it has been classified as a Variant of Uncertain Significance.

NM_001081.4(CUBN):c.9605A>C (p.Asn3202Thr)

Gene: CUBN (cubilin; minus strand). Cytogenetic location: 10p13.
Variant type: single nucleotide variant.
Coding change: c.9605A>C on transcript NM_001081.4 (MANE Select); coding-DNA position 9605, A replaced by C.
Protein change: p.Asn3202Thr; replaces asparagine 3202 with threonine.
Molecular consequence: missense variant.
Genome position (GRCh38, 1-based): chr10:16,851,293, T>G on the plus strand (A>C on the coding strand, the complement: CUBN is on the minus strand). VCF-style: chr10-16851293-T-G. GRCh37 (hg19) VCF-style: chr10-16893292-T-G.
Other names: short protein forms N3202T.
Identifiers: ClinVar variation 2771533 (VCV002771533.3), dbSNP rs376334248, ClinGen allele CA203547730.